The following is an entry in ClinVar:

ClinVar aggregate classification (germline): Uncertain significance. Review status: criteria provided, multiple submitters, no conflicts (2 of 4 stars). 2 submissions from 2 submitters: Uncertain significance (2). Last evaluated 2024-09-11.

Allele frequency attached by ClinVar (database versions not stated): TOPMed 0.00007; ESP Exome Variant Server 0.00008; gnomAD 0.00009; gnomAD exomes 0.00010; ExAC 0.00011.
gnomAD v4.1: 153 of 1,609,584 alleles (0.0095%); highest among the groups gnomAD compares: Non-Finnish European, 0.011%; no homozygotes.

Submissions (2):

Ambry Genetics
Classification: Uncertain significance. Last evaluated: 2024-09-11. Review status: criteria provided, single submitter. Criteria: Ambry Variant Classification Scheme 2023. Collection method: clinical testing. Allele origin: germline.

Labcorp Genetics (formerly Invitae), Labcorp
Classification: Uncertain significance. Last evaluated: 2022-10-26. Review status: criteria provided, single submitter. Criteria: Invitae Variant Classification Sherloc (09022015). Collection method: clinical testing. Allele origin: germline.
Comment: This sequence change replaces arginine, which is basic and polar, with histidine, which is basic and polar, at codon 2198 of the CACNA1B protein (p.Arg2198His). This variant is present in population databases (rs200649042, gnomAD 0.01%). This variant has not been reported in the literature in individuals affected with CACNA1B-related conditions. Advanced modeling of protein sequence and biophysical properties (such as structural, functional, and spatial information, amino acid conservation, physicochemical variation, residue mobility, and thermodynamic stability) performed at Invitae indicates that this missense variant is expected to disrupt CACNA1B protein function. In summary, the available evidence is currently insufficient to determine the role of this variant in disease. Therefore, it has been classified as a Variant of Uncertain Significance.

NM_000718.4(CACNA1B):c.6593G>A (p.Arg2198His)

Gene: CACNA1B (calcium voltage-gated channel subunit alpha1 B; plus strand). Cytogenetic location: 9q34.3.
Variant type: single nucleotide variant.
Coding change: c.6593G>A on transcript NM_000718.4 (MANE Select); coding-DNA position 6593, G replaced by A.
Protein change: p.Arg2198His; replaces arginine 2198 with histidine.
Molecular consequence: missense variant. On other transcripts: intron variant (1).
Genome position (GRCh38, 1-based): chr9:138,121,572, G>A. VCF-style: chr9-138121572-G-A. GRCh37 (hg19) VCF-style: chr9-141016024-G-A.
Other names: c.6490-84G>A (NM_001243812.2); short protein forms R2198H.
Identifiers: ClinVar variation 2078886 (VCV002078886.3), dbSNP rs200649042, ClinGen allele CA5377770.